The following is an entry in ClinVar:

NM_014946.4(SPAST):c.1151C>T (p.Pro384Leu)

Gene: SPAST (spastin; plus strand). Cytogenetic location: 2p22.3.
Variant type: single nucleotide variant.
Coding change: c.1151C>T on transcript NM_014946.4 (MANE Select); coding-DNA position 1151, C replaced by T.
Protein change: p.Pro384Leu; replaces proline 384 with leucine.
Molecular consequence: missense variant.
Genome position (GRCh38, 1-based): chr2:32,127,000, C>T. VCF-style: chr2-32127000-C-T. GRCh37 (hg19) VCF-style: chr2-32352069-C-T.
Other names: c.1148C>T, p.Pro383Leu (NM_001363823.2); c.1052C>T, p.Pro351Leu (NM_001363875.2); c.1055C>T, p.Pro352Leu (NM_001377959.1, NM_199436.2); short protein forms P351L, P383L, P384L, P352L.
Identifiers: ClinVar variation 660105 (VCV000660105.10), dbSNP rs1573139616, ClinGen allele CA346501303.
Genomic context (GRCh38, chr2:32,127,000, plus strand): 5'-TTTTTTAGTTGTTCACAGGGCTTAGAGCTCCTGCCAGAGGGCTGTTACTCTTTGGTCCAC[C>T]TGGGAATGGGAAGACAATGCTGGTAAGGGTTCTCTTCAAATTTGAGTTTTCTGTTGAGAT-3'
Protein context (NP_055761.2, residues 374-394): PARGLLLFGP[Pro384Leu]GNGKTMLAKA

ClinVar aggregate classification (germline): Pathogenic. Review status: criteria provided, multiple submitters, no conflicts (2 of 4 stars). 2 submissions from 2 submitters: Pathogenic (2). Last evaluated 2026-10-18.

Conditions:
Hereditary spastic paraplegia 4. Also called: Spastic Paraplegia 4; Spastic paraplegia 4, autosomal dominant; Familial spastic paraplegia autosomal dominant 2. Identifiers: Orphanet 100985, MedGen C1866855, MONDO:0008438, OMIM 182601.

Submissions (2):

GeneDx
Classification: Pathogenic. Last evaluated: 2026-10-18. Review status: criteria provided, single submitter. Criteria: GeneDx Variant Classification Process June 2021. Collection method: clinical testing. Allele origin: germline.
Comment: In silico analysis supports that this missense variant has a deleterious effect on protein structure/function; Not observed at significant frequency in large population cohorts (gnomAD); This variant is associated with the following publications: (PMID: 26094131, 21139634, 36964972)

Labcorp Genetics (formerly Invitae), Labcorp
Classification: Pathogenic for Hereditary spastic paraplegia 4. Last evaluated: 2023-05-28. Review status: criteria provided, single submitter. Criteria: Invitae Variant Classification Sherloc (09022015). Collection method: clinical testing. Allele origin: germline.
Comment: For these reasons, this variant has been classified as Pathogenic. This variant disrupts the p.Pro384 amino acid residue in SPAST. Other variant(s) that disrupt this residue have been determined to be pathogenic (PMID: 29691679). This suggests that this residue is clinically significant, and that variants that disrupt this residue are likely to be disease-causing. ClinVar contains an entry for this variant (Variation ID: 660105). Advanced modeling of protein sequence and biophysical properties (such as structural, functional, and spatial information, amino acid conservation, physicochemical variation, residue mobility, and thermodynamic stability) performed at Invitae indicates that this missense variant is expected to disrupt SPAST protein function. This variant is not present in population databases (gnomAD no frequency). This sequence change replaces proline, which is neutral and non-polar, with leucine, which is neutral and non-polar, at codon 384 of the SPAST protein (p.Pro384Leu). This missense change has been observed in individual(s) with hereditary spastic paraplegia (Invitae). In at least one individual the variant was observed to be de novo.

Literature cited by the submitters: PubMed 29691679 (cited by Labcorp Genetics (formerly Invitae), Labcorp).